The following is an entry in ClinVar:

ClinVar aggregate classification (germline): Uncertain significance. Review status: criteria provided, multiple submitters, no conflicts (2 of 4 stars). 2 submissions from 2 submitters: Uncertain significance (2). Last evaluated 2025-12-27.

Conditions:
Severe combined immunodeficiency due to DNA-PKcs deficiency. Also called: IMMUNODEFICIENCY 26 WITH NEUROLOGIC ABNORMALITIES; Immunodeficiency 26 with or without neurologic abnormalities. Identifiers: Orphanet 317425, MedGen C4014833, MONDO:0014423, OMIM 615966.

Allele frequency attached by ClinVar (database versions not stated): TOPMed 0.00001.
gnomAD v4.1: 3 of 1,590,596 alleles (0.00019%); highest among the groups gnomAD compares: African/African-American, 0.0013%; no homozygotes.

Submissions (2):

Labcorp Genetics (formerly Invitae), Labcorp
Classification: Uncertain significance for Severe combined immunodeficiency due to DNA-PKcs deficiency. Last evaluated: 2025-12-27. Review status: criteria provided, single submitter. Criteria: Invitae Variant Classification Sherloc (09022015). Collection method: clinical testing. Allele origin: germline.
Comment: This sequence change replaces alanine, which is neutral and non-polar, with proline, which is neutral and non-polar, at codon 817 of the PRKDC protein (p.Ala817Pro). This variant is not present in population databases (gnomAD no frequency). This variant has not been reported in the literature in individuals affected with PRKDC-related conditions. ClinVar contains an entry for this variant (Variation ID: 1791444). Invitae Evidence Modeling of protein sequence and biophysical properties (such as structural, functional, and spatial information, amino acid conservation, physicochemical variation, residue mobility, and thermodynamic stability) indicates that this missense variant is not expected to disrupt PRKDC protein function with a negative predictive value of 80%. In summary, the available evidence is currently insufficient to determine the role of this variant in disease. Therefore, it has been classified as a Variant of Uncertain Significance.

Ambry Genetics
Classification: Uncertain significance. Last evaluated: 2021-09-28. Review status: criteria provided, single submitter. Criteria: Ambry Variant Classification Scheme 2023. Collection method: clinical testing. Allele origin: germline.
Comment: The p.A817P variant (also known as c.2449G>C), located in coding exon 22 of the PRKDC gene, results from a G to C substitution at nucleotide position 2449. The alanine at codon 817 is replaced by proline, an amino acid with highly similar properties. This amino acid position is conserved. In addition, this alteration is predicted to be tolerated by in silico analysis. Since supporting evidence is limited at this time, the clinical significance of this alteration remains unclear.

NM_006904.7(PRKDC):c.2449G>C (p.Ala817Pro)

Gene: PRKDC (protein kinase, DNA-activated, catalytic subunit; minus strand). Cytogenetic location: 8q11.21.
Variant type: single nucleotide variant.
Coding change: c.2449G>C on transcript NM_006904.7 (MANE Select); coding-DNA position 2449, G replaced by C.
Protein change: p.Ala817Pro; replaces alanine 817 with proline.
Molecular consequence: missense variant.
Genome position (GRCh38, 1-based): chr8:47,918,354, C>G on the plus strand (G>C on the coding strand, the complement: PRKDC is on the minus strand). VCF-style: chr8-47918354-C-G. GRCh37 (hg19) VCF-style: chr8-48830914-C-G.
Other names: c.2449G>C, p.Ala817Pro (NM_001081640.2); short protein forms A817P.
Identifiers: ClinVar variation 1791444 (VCV001791444.3), dbSNP rs2090021359, ClinGen allele CA371160550.